The following is an entry in ClinVar:

NM_000214.3(JAG1):c.3112C>G (p.Leu1038Val)

Gene: JAG1 (jagged canonical Notch ligand 1; minus strand). Cytogenetic location: 20p12.2.
Variant type: single nucleotide variant.
Coding change: c.3112C>G on transcript NM_000214.3 (MANE Select); coding-DNA position 3112, C replaced by G.
Protein change: p.Leu1038Val; replaces leucine 1038 with valine.
Molecular consequence: missense variant.
Genome position (GRCh38, 1-based): chr20:10,640,870, G>C on the plus strand (C>G on the coding strand, the complement: JAG1 is on the minus strand). VCF-style: chr20-10640870-G-C. GRCh37 (hg19) VCF-style: chr20-10621518-G-C.
Other names: short protein forms L1038V.
Identifiers: ClinVar variation 1727765 (VCV001727765.2), dbSNP rs139934091, ClinGen allele CA9764277.

ClinVar aggregate classification (germline): Uncertain significance (1 of 4 stars; one submission).

Conditions:
Cardiovascular phenotype. Identifiers: MedGen CN230736.

Allele frequency attached by ClinVar (database versions not stated): ExAC 0.00001; ESP Exome Variant Server 0.00008.

Submission:

Ambry Genetics
Classification: Uncertain significance for Cardiovascular phenotype. Last evaluated: 2022-09-26. Review status: criteria provided, single submitter. Criteria: Ambry Variant Classification Scheme 2023. Collection method: clinical testing. Allele origin: germline.
Comment: The p.L1038V variant (also known as c.3112C>G), located in coding exon 25 of the JAG1 gene, results from a C to G substitution at nucleotide position 3112. The leucine at codon 1038 is replaced by valine, an amino acid with highly similar properties. This amino acid position is conserved. In addition, the in silico prediction for this alteration is inconclusive. Since supporting evidence is limited at this time, the clinical significance of this alteration remains unclear.